The following is an entry in ClinVar:

NM_000059.4(BRCA2):c.9451A>C (p.Lys3151Gln)

Gene: BRCA2 (BRCA2 DNA repair associated; plus strand). Cytogenetic location: 13q13.1.
Variant type: single nucleotide variant.
Coding change: c.9451A>C on transcript NM_000059.4 (MANE Select); coding-DNA position 9451, A replaced by C.
Protein change: p.Lys3151Gln; replaces lysine 3151 with glutamine.
Molecular consequence: missense variant.
Genome position (GRCh38, 1-based): chr13:32,394,883, A>C. VCF-style: chr13-32394883-A-C. GRCh37 (hg19) VCF-style: chr13-32969020-A-C.
Other names: c.9355A>C, p.Lys3119Gln (NM_001406719.1); c.9400A>C, p.Lys3134Gln (NM_001406720.1); c.4519A>C, p.Lys1507Gln (NM_001406721.1); c.3034A>C, p.Lys1012Gln (NM_001406722.1); short protein forms K3151Q, K3119Q, K1012Q, K1507Q, K3134Q.
Identifiers: ClinVar variation 2070915 (VCV002070915.4), dbSNP rs2548562444, ClinGen allele CA387761634.

ClinVar aggregate classification (germline): Uncertain significance (1 of 4 stars; one submission).

Conditions:
Hereditary breast ovarian cancer syndrome. Also called: BRCA1- and BRCA2-Associated Hereditary Breast and Ovarian Cancer; Hereditary breast and/or ovarian cancer syndrome; Hereditary breast and ovarian cancer syndrome; Hereditary breast and ovarian cancer syndrome (HBOC); Breast and ovarian cancer; Hereditary breast and ovarian cancer. Identifiers: Orphanet 145, MedGen C0677776, MeSH D061325, MONDO:0003582. Disease mechanism: loss of function.

Submission:

Labcorp Genetics (formerly Invitae), Labcorp
Classification: Uncertain significance for Hereditary breast ovarian cancer syndrome. Last evaluated: 2022-01-02. Review status: criteria provided, single submitter. Criteria: Invitae Variant Classification Sherloc (09022015). Collection method: clinical testing. Allele origin: germline.
Comment: In summary, the available evidence is currently insufficient to determine the role of this variant in disease. Therefore, it has been classified as a Variant of Uncertain Significance. Advanced modeling of protein sequence and biophysical properties (such as structural, functional, and spatial information, amino acid conservation, physicochemical variation, residue mobility, and thermodynamic stability) performed at Invitae indicates that this missense variant is not expected to disrupt BRCA2 protein function. This variant has not been reported in the literature in individuals affected with BRCA2-related conditions. This variant is not present in population databases (gnomAD no frequency). This sequence change replaces lysine, which is basic and polar, with glutamine, which is neutral and polar, at codon 3151 of the BRCA2 protein (p.Lys3151Gln).